The following is an entry in ClinVar:

ClinVar aggregate classification (germline): Uncertain significance (1 of 4 stars; one submission).

Conditions:
Inborn genetic diseases. Identifiers: MedGen C0950123, MeSH D030342.

gnomAD v4.1: 1 of 1,614,136 alleles (0.000062%); highest among the groups gnomAD compares: South Asian, 0.0011%; no homozygotes.

Submission:

Ambry Genetics
Classification: Uncertain significance for Inborn genetic diseases. Last evaluated: 2025-11-09. Review status: criteria provided, single submitter. Criteria: Ambry Variant Classification Scheme 2023. Collection method: clinical testing. Allele origin: germline.
Comment: The p.S99T variant (also known as c.295T>A), located in coding exon 1 of the FANCM gene, results from a T to A substitution at nucleotide position 295. The serine at codon 99 is replaced by threonine, an amino acid with similar properties. This amino acid position is conserved. In addition, this alteration is predicted to be tolerated by in silico analysis. Based on the available evidence, the clinical significance of this variant remains unclear.

NM_020937.4(FANCM):c.295T>A (p.Ser99Thr)

Gene: FANCM (FA complementation group M; plus strand). Cytogenetic location: 14q21.2.
Variant type: single nucleotide variant.
Coding change: c.295T>A on transcript NM_020937.4 (MANE Select); coding-DNA position 295, T replaced by A.
Protein change: p.Ser99Thr; replaces serine 99 with threonine.
Molecular consequence: missense variant.
Genome position (GRCh38, 1-based): chr14:45,136,326, T>A. VCF-style: chr14-45136326-T-A. GRCh37 (hg19) VCF-style: chr14-45605529-T-A.
Other names: c.295T>A, p.Ser99Thr (NM_001308133.2, NM_001308134.2); short protein forms S99T.
Identifiers: ClinVar variation 4619571 (VCV004619571.1).